The following is an entry in ClinVar:

ClinVar aggregate classification (germline): Uncertain significance. Review status: criteria provided, multiple submitters, no conflicts (2 of 4 stars). 2 submissions from 2 submitters: Uncertain significance (2). Last evaluated 2026-04-24.

Conditions:
Ullrich congenital muscular dystrophy 2 (UCMD2). Identifiers: Orphanet 75840, MedGen C4225314, MONDO:0014654, OMIM 616470.
Bethlem myopathy 2 (BTHLM2). Identifiers: Orphanet 536516, Orphanet 610, MedGen C4225313, MONDO:0034022, OMIM 616471.

Submissions (2):

Dasa
Classification: Uncertain significance. Last evaluated: 2026-04-24. Review status: criteria provided, single submitter. Criteria: DASA Assertion Criteria. Collection method: clinical testing. Allele origin: germline.
Comment: NM_004370.6(COL12A1):c.4781G>C (p.Arg1594Pro) is a missense variant that results in the substitution of arginine with proline. This variant is rare in population databases. The currently available literature and clinical evidence are not sufficient to establish a definitive association between this variant and the reported condition. Therefore, this variant is classified as a variant of uncertain significance.

Labcorp Genetics (formerly Invitae), Labcorp
Classification: Uncertain significance for Bethlem myopathy 2; Ullrich congenital muscular dystrophy 2. Last evaluated: 2021-06-17. Review status: criteria provided, single submitter. Criteria: Invitae Variant Classification Sherloc (09022015). Collection method: clinical testing. Allele origin: germline.
Comment: Algorithms developed to predict the effect of missense changes on protein structure and function are either unavailable or do not agree on the potential impact of this missense change (SIFT: "Deleterious"; PolyPhen-2: "Probably Damaging"; Align-GVGD: "Class C0"). This variant has not been reported in the literature in individuals with COL12A1-related conditions. This variant is not present in population databases (ExAC no frequency). This sequence change replaces arginine with proline at codon 1594 of the COL12A1 protein (p.Arg1594Pro). The arginine residue is moderately conserved and there is a moderate physicochemical difference between arginine and proline. In summary, the available evidence is currently insufficient to determine the role of this variant in disease. Therefore, it has been classified as a Variant of Uncertain Significance.

NM_004370.6(COL12A1):c.4781G>C (p.Arg1594Pro)

Gene: COL12A1 (collagen type XII alpha 1 chain; minus strand). Cytogenetic location: 6q13.
Variant type: single nucleotide variant.
Coding change: c.4781G>C on transcript NM_004370.6 (MANE Select); coding-DNA position 4781, G replaced by C.
Protein change: p.Arg1594Pro; replaces arginine 1594 with proline.
Molecular consequence: missense variant.
Genome position (GRCh38, 1-based): chr6:75,143,298, C>G on the plus strand (G>C on the coding strand, the complement: COL12A1 is on the minus strand). VCF-style: chr6-75143298-C-G. GRCh37 (hg19) VCF-style: chr6-75853014-C-G.
Other names: c.1289G>C, p.Arg430Pro (NM_080645.3); short protein forms R430P, R1594P.
Identifiers: ClinVar variation 1507025 (VCV001507025.10), dbSNP rs373006852, ClinGen allele CA364742044.